The following is an entry in ClinVar:

ClinVar aggregate classification (germline): Uncertain significance (1 of 4 stars; one submission).

Submission:

GeneDx
Classification: Uncertain significance. Last evaluated: 2022-09-07. Review status: criteria provided, single submitter. Criteria: GeneDx Variant Classification Process June 2021. Collection method: clinical testing. Allele origin: germline. Affected: yes.
Comment: Not observed at significant frequency in large population cohorts (gnomAD); In silico analysis supports that this missense variant has a deleterious effect on protein structure/function; Has not been previously published as pathogenic or benign to our knowledge

NM_001252102.2(KIF21B):c.3557C>T (p.Pro1186Leu)

Gene: KIF21B (kinesin family member 21B; minus strand). Cytogenetic location: 1q32.1.
Variant type: single nucleotide variant.
Coding change: c.3557C>T on transcript NM_001252102.2 (MANE Select); coding-DNA position 3557, C replaced by T.
Protein change: p.Pro1186Leu; replaces proline 1186 with leucine.
Molecular consequence: missense variant.
Genome position (GRCh38, 1-based): chr1:200,987,053, G>A on the plus strand (C>T on the coding strand, the complement: KIF21B is on the minus strand). VCF-style: chr1-200987053-G-A. GRCh37 (hg19) VCF-style: chr1-200956181-G-A.
Other names: c.3557C>T, p.Pro1186Leu (NM_001252100.2, NM_001252103.2, NM_017596.4); short protein forms P1186L.
Identifiers: ClinVar variation 2443385 (VCV002443385.1), dbSNP rs2465154746, ClinGen allele CA344126256.